The following is an entry in ClinVar:

ClinVar aggregate classification (germline): Uncertain significance. Review status: criteria provided, multiple submitters, no conflicts (2 of 4 stars). 3 submissions from 3 submitters: Uncertain significance (3). Last evaluated 2025-11-03.

Conditions:
Loeys-Dietz syndrome 2 (LDS2). Also called: Marfan syndrome, type 2 (formerly); TGFBR2-Related Loeys-Dietz Syndrome; AORTIC ANEURYSM, FAMILIAL THORACIC 3; MARFAN SYNDROME, TYPE II; Marfan like connective tissue disorder; MFS 2. Identifiers: Orphanet 284973, Orphanet 558, MedGen C2674574, MONDO:0012427, OMIM 610168.

Allele frequency attached by ClinVar (database versions not stated): gnomAD 0.00001; TOPMed 0.00001.

Submissions (3):

Labcorp Genetics (formerly Invitae), Labcorp
Classification: Uncertain significance for Loeys-Dietz syndrome 2. Last evaluated: 2025-11-03. Review status: criteria provided, single submitter. Criteria: Invitae Variant Classification Sherloc (09022015). Collection method: clinical testing. Allele origin: germline.
Comment: This sequence change replaces arginine, which is basic and polar, with glycine, which is neutral and non-polar, at codon 173 of the TMPO protein (p.Arg173Gly). This variant is not present in population databases (gnomAD no frequency). This variant has not been reported in the literature in individuals affected with TMPO-related conditions. ClinVar contains an entry for this variant (Variation ID: 1019321). An algorithm developed to predict the effect of missense changes on protein structure and function (PolyPhen-2) suggests that this variant is likely to be disruptive. In summary, the available evidence is currently insufficient to determine the role of this variant in disease. Therefore, it has been classified as a Variant of Uncertain Significance.

GeneDx
Classification: Uncertain significance. Last evaluated: 2023-11-15. Review status: criteria provided, single submitter. Criteria: GeneDx Variant Classification Process June 2021. Collection method: clinical testing. Allele origin: germline. Affected: yes.
Comment: Not observed at significant frequency in large population cohorts (gnomAD); In silico analysis supports that this missense variant has a deleterious effect on protein structure/function; Has not been previously published as pathogenic or benign to our knowledge

Ambry Genetics
Classification: Uncertain significance. Last evaluated: 2023-07-13. Review status: criteria provided, single submitter. Criteria: Ambry Variant Classification Scheme 2023. Collection method: clinical testing. Allele origin: germline.
Comment: The p.R173G variant (also known as c.517A>G), located in coding exon 3 of the TMPO gene, results from an A to G substitution at nucleotide position 517. The arginine at codon 173 is replaced by glycine, an amino acid with dissimilar properties. This amino acid position is conserved. In addition, this alteration is predicted to be tolerated by in silico analysis. Since supporting evidence is limited at this time, the clinical significance of this alteration remains unclear.

NM_001032283.3(TMPO):c.517A>G (p.Arg173Gly)

Gene: TMPO (thymopoietin; plus strand). Cytogenetic location: 12q23.1.
Variant type: single nucleotide variant.
Coding change: c.517A>G on transcript NM_001032283.3 (MANE Select); coding-DNA position 517, A replaced by G.
Protein change: p.Arg173Gly; replaces arginine 173 with glycine.
Molecular consequence: missense variant.
Genome position (GRCh38, 1-based): chr12:98,531,790, A>G. VCF-style: chr12-98531790-A-G. GRCh37 (hg19) VCF-style: chr12-98925568-A-G.
Other names: c.517A>G, p.Arg173Gly (NM_001032284.3, NM_001307975.2, NM_003276.2); short protein forms R173G.
Identifiers: ClinVar variation 1019321 (VCV001019321.12), dbSNP rs1430201856, ClinGen allele CA386151210.